The following is an entry in ClinVar:

ClinVar aggregate classification (germline): Uncertain significance (1 of 4 stars; one submission).

Conditions:
RPGRIP1L-related disorder. Also called: RPGRIP1L-related disorders; RPGRIP1L-related condition. Identifiers: MedGen CN239416.

gnomAD v4.1: 3 of 1,612,470 alleles (0.00019%); highest among the groups gnomAD compares: African/African-American, 0.004%; no homozygotes.

Submission:

PreventionGenetics, part of Exact Sciences
Classification: Uncertain significance for RPGRIP1L-related condition. Last evaluated: 2025-10-15. Review status: criteria provided, single submitter. Criteria: ACMG Guidelines, 2015. Collection method: clinical testing. Allele origin: germline.
Comment: The RPGRIP1L c.1546C>G variant is predicted to result in the amino acid substitution p.Leu516Val. To our knowledge, this variant has not been reported in the literature or in a large population database (gnomAD), indicating this variant is rare. At this time, the clinical significance of this variant is uncertain due to the absence of conclusive functional and genetic evidence.

NM_015272.5(RPGRIP1L):c.1546C>G (p.Leu516Val)

Gene: RPGRIP1L (RPGRIP1 like; minus strand). Cytogenetic location: 16q12.2.
Variant type: single nucleotide variant.
Coding change: c.1546C>G on transcript NM_015272.5 (MANE Select); coding-DNA position 1546, C replaced by G.
Protein change: p.Leu516Val; replaces leucine 516 with valine.
Molecular consequence: missense variant.
Genome position (GRCh38, 1-based): chr16:53,657,488, G>C on the plus strand (C>G on the coding strand, the complement: RPGRIP1L is on the minus strand). VCF-style: chr16-53657488-G-C. GRCh37 (hg19) VCF-style: chr16-53691400-G-C.
Other names: c.1546C>G, p.Leu516Val (NM_001127897.4, NM_001308334.3, NM_001330538.2); short protein forms L516V.
Identifiers: ClinVar variation 4986287 (VCV004986287.1).
Genomic context (GRCh38, chr16:53,657,488, plus strand): 5'-TTCCCCATTTAGTGTATTACATTACCTGATAATCTTTATTAATTTTGTGTTGCATAATTA[G>C]CATGTTTCTTGTCTTTTCCAGCTCTTGCACCGTTTCTGCATGAGTTGCTTGCAGCTCTCT-3'
Protein context (NP_056087.2, residues 506-526): VQELEKTRNM[Leu516Val]IMQHKINKDY